The following is an entry in ClinVar:

NM_001271.4(CHD2):c.2546C>G (p.Ala849Gly)

Gene: CHD2 (chromodomain helicase DNA binding protein 2; plus strand). Cytogenetic location: 15q26.1.
Variant type: single nucleotide variant.
Coding change: c.2546C>G on transcript NM_001271.4 (MANE Select); coding-DNA position 2546, C replaced by G.
Protein change: p.Ala849Gly; replaces alanine 849 with glycine.
Molecular consequence: missense variant.
Genome position (GRCh38, 1-based): chr15:92,974,919, C>G. VCF-style: chr15-92974919-C-G. GRCh37 (hg19) VCF-style: chr15-93518149-C-G.
Other names: short protein forms A849G.
Identifiers: ClinVar variation 1313322 (VCV001313322.2), dbSNP rs2141839151, ClinGen allele CA393893563.

ClinVar aggregate classification (germline): Uncertain significance (1 of 4 stars; one submission).

Submission:

GeneDx
Classification: Uncertain significance. Last evaluated: 2020-10-15. Review status: criteria provided, single submitter. Criteria: GeneDx Variant Classification Process June 2021. Collection method: clinical testing. Allele origin: germline. Affected: yes.
Comment: Not observed in large population cohorts (Lek et al., 2016); In silico analysis supports that this missense variant has a deleterious effect on protein structure/function; Has not been previously published as pathogenic or benign to our knowledge